The following is an entry in ClinVar:

NM_020975.6(RET):c.1609C>T (p.Pro537Ser)

Gene: RET (ret proto-oncogene; plus strand). Cytogenetic location: 10q11.21.
Variant type: single nucleotide variant.
Coding change: c.1609C>T on transcript NM_020975.6 (MANE Select); coding-DNA position 1609, C replaced by T.
Protein change: p.Pro537Ser; replaces proline 537 with serine.
Molecular consequence: missense variant.
Genome position (GRCh38, 1-based): chr10:43,112,185, C>T. VCF-style: chr10-43112185-C-T. GRCh37 (hg19) VCF-style: chr10-43607633-C-T.
Other names: c.1609C>T, p.Pro537Ser (NM_000323.2, NM_001406743.1, NM_001406744.1 and 6 more transcripts); c.847C>T, p.Pro283Ser (NM_001355216.2); c.1480C>T, p.Pro494Ser (NM_001406761.1, NM_001406762.1, NM_001406764.1 and 1 more transcripts); c.1321C>T, p.Pro441Ser (NM_001406766.1, NM_001406767.1, NM_001406770.1); c.1213C>T, p.Pro405Ser (NM_001406769.1, NM_001406772.1); c.1171C>T, p.Pro391Ser (NM_001406771.1, NM_001406773.1); c.1084C>T, p.Pro362Ser (NM_001406774.1); c.883C>T, p.Pro295Ser (NM_001406775.1, NM_001406776.1, NM_001406777.1 and 1 more transcripts); and 5 more; short protein forms P537S, P283S, P405S, P441S, P494S, P142S, P195S, P207S.
Identifiers: ClinVar variation 560864 (VCV000560864.9), dbSNP rs1438717389, ClinGen allele CA376550678.
Genomic context (GRCh38, chr10:43,112,185, plus strand): 5'-CTGTCCTGTGCAGTCAGCAAGAGACGGCTGGAGTGTGAGGAGTGTGGCGGCCTGGGCTCC[C>T]CAACAGGCAGGTGTGAGTGGAGGCAAGGAGATGGCAAAGGTAAGCCCTGGAAACGCCCAA-3'
Protein context (NP_066124.1, residues 527-547): ECEECGGLGS[Pro537Ser]TGRCEWRQGD

ClinVar aggregate classification (germline): Uncertain significance. Review status: criteria provided, multiple submitters, no conflicts (2 of 4 stars). 4 submissions from 4 submitters: Uncertain significance (4). Last evaluated 2025-10-02.

Conditions:
Hereditary cancer-predisposing syndrome. Also called: Hereditary neoplastic syndrome; Neoplastic Syndromes, Hereditary; Tumor predisposition; Hereditary Cancer Syndrome. Identifiers: Orphanet 140162, MedGen C0027672, MeSH D009386, MONDO:0015356.
Multiple endocrine neoplasia, type 2 (MEN2). Identifiers: Orphanet 653, MedGen C4048306, MONDO:0019003. Disease mechanism: gain of function.

Submissions (4):

Labcorp Genetics (formerly Invitae), Labcorp
Classification: Uncertain significance for Multiple endocrine neoplasia, type 2. Last evaluated: 2025-10-02. Review status: criteria provided, single submitter. Criteria: Invitae Variant Classification Sherloc (09022015). Collection method: clinical testing. Allele origin: germline.
Comment: This sequence change replaces proline, which is neutral and non-polar, with serine, which is neutral and polar, at codon 537 of the RET protein (p.Pro537Ser). This variant is not present in population databases (gnomAD no frequency). This variant has not been reported in the literature in individuals affected with RET-related conditions. ClinVar contains an entry for this variant (Variation ID: 560864). An algorithm developed to predict the effect of missense changes on protein structure and function (PolyPhen-2) suggests that this variant is likely to be tolerated. In summary, the available evidence is currently insufficient to determine the role of this variant in disease. Therefore, it has been classified as a Variant of Uncertain Significance.

Ambry Genetics
Classification: Uncertain significance for Hereditary cancer-predisposing syndrome. Last evaluated: 2024-02-20. Review status: criteria provided, single submitter. Criteria: Ambry Variant Classification Scheme 2023. Collection method: clinical testing. Allele origin: germline.
Comment: The p.P537S variant (also known as c.1609C>T), located in coding exon 8 of the RET gene, results from a C to T substitution at nucleotide position 1609. The proline at codon 537 is replaced by serine, an amino acid with similar properties. This amino acid position is conserved. In addition, the in silico prediction for this alteration is inconclusive. Based on the available evidence, the clinical significance of this alteration remains unclear.

All of Us Research Program, National Institutes of Health
Classification: Uncertain significance for Multiple endocrine neoplasia, type 2. Last evaluated: 2023-03-23. Review status: criteria provided, single submitter. Criteria: ACMG Guidelines, 2015. Collection method: clinical testing. Allele origin: germline. Inheritance: Autosomal dominant inheritance. Observed: 1 variant allele, 1 heterozygote.
Comment: This missense variant replaces proline with serine at codon 537 of the RET protein. Computational prediction suggests that this variant may not impact protein structure and function (internally defined REVEL score threshold <= 0.5, PMID: 27666373). To our knowledge, functional studies have not been reported for this variant. This variant has not been reported in individuals affected with RET-related disorders in the literature. This variant has not been identified in the general population by the Genome Aggregation Database (gnomAD). The available evidence is insufficient to determine the role of this variant in disease conclusively. Therefore, this variant is classified as a Variant of Uncertain Significance.

This study involves interpretation of variants in research participants for the purpose of population health screening. Participant phenotype was not available at the time of variant classification. Additional details can be found in publication PMID: 35346344, PMCID: PMC8962531

PreventionGenetics, part of Exact Sciences
Classification: Uncertain significance. Last evaluated: 2017-11-15. Review status: criteria provided, single submitter. Criteria: ACMG Guidelines, 2015. Collection method: clinical testing. Allele origin: germline.